The following is an entry in ClinVar:

NM_000232.5(SGCB):c.533T>C (p.Ile178Thr)

Gene: SGCB (sarcoglycan beta; minus strand). Cytogenetic location: 4q12.
Variant type: single nucleotide variant.
Coding change: c.533T>C on transcript NM_000232.5 (MANE Select); coding-DNA position 533, T replaced by C.
Protein change: p.Ile178Thr; replaces isoleucine 178 with threonine.
Molecular consequence: missense variant.
Genome position (GRCh38, 1-based): chr4:52,028,818, A>G on the plus strand (T>C on the coding strand, the complement: SGCB is on the minus strand). VCF-style: chr4-52028818-A-G. GRCh37 (hg19) VCF-style: chr4-52894984-A-G.
Other names: c.533T>C (NM_000232.4); short protein forms I178T.
Identifiers: ClinVar variation 1470008 (VCV001470008.9), dbSNP rs943840432, ClinGen allele CA96782031.
Genomic context (GRCh38, chr4:52,028,818, plus strand): 5'-AAACTTTTCACTCCACTTGGCAAATGAAACTCATGAGTTTCATAGTCTGTGCTGAATAAG[A>G]TATTTTGAGTCCTCGGGTCAAAAAACTGCATGCCGATGTCACTTGTAATAGAAGTTTTGT-3'
Protein context (NP_000223.1, residues 168-188): MQFFDPRTQN[Ile178Thr]LFSTDYETHE

ClinVar aggregate classification (germline): Uncertain significance. Review status: criteria provided, multiple submitters, no conflicts (2 of 4 stars). 2 submissions from 2 submitters: Uncertain significance (2). Last evaluated 2024-12-28.

Conditions:
Autosomal recessive limb-girdle muscular dystrophy type 2E (LGMDR4). Also called: MUSCULAR DYSTROPHY, LIMB-GIRDLE, AUTOSOMAL RECESSIVE 4. Identifiers: Orphanet 119, MedGen C1858593, MONDO:0011423, OMIM 604286. Disease mechanism: Affects gamma-sarcoglycan and also disrupts the integrity of the entire sarcoglycan complex..

gnomAD v4.1: 1 of 1,613,752 alleles (0.000062%); no homozygotes.

Submissions (2):

GeneDx
Classification: Uncertain significance. Last evaluated: 2024-12-28. Review status: criteria provided, single submitter. Criteria: GeneDx Variant Classification Process June 2021. Collection method: clinical testing. Allele origin: germline. Affected: yes.
Comment: Not observed at significant frequency in large population cohorts (gnomAD); Missense variants in this gene are a common cause of disease and they are underrepresented in the general population; In silico analysis indicates that this missense variant does not alter protein structure/function; Has not been previously published as pathogenic or benign to our knowledge

Labcorp Genetics (formerly Invitae), Labcorp
Classification: Uncertain significance for Autosomal recessive limb-girdle muscular dystrophy type 2E. Last evaluated: 2022-06-20. Review status: criteria provided, single submitter. Criteria: Invitae Variant Classification Sherloc (09022015). Collection method: clinical testing. Allele origin: germline.
Comment: This sequence change replaces isoleucine, which is neutral and non-polar, with threonine, which is neutral and polar, at codon 178 of the SGCB protein (p.Ile178Thr). This variant is not present in population databases (gnomAD no frequency). In summary, the available evidence is currently insufficient to determine the role of this variant in disease. Therefore, it has been classified as a Variant of Uncertain Significance. Algorithms developed to predict the effect of missense changes on protein structure and function (SIFT, PolyPhen-2, Align-GVGD) all suggest that this variant is likely to be tolerated. This variant has not been reported in the literature in individuals affected with SGCB-related conditions.